The following is an entry in ClinVar:

NM_006031.6(PCNT):c.2154+8G>T

Gene: PCNT (pericentrin; plus strand). Cytogenetic location: 21q22.3.
Variant type: single nucleotide variant.
Coding change: c.2154+8G>T on transcript NM_006031.6 (MANE Select); 8 bases into the intron after coding-DNA position 2154, G replaced by T.
Molecular consequence: intron variant.
Genome position (GRCh38, 1-based): chr21:46,357,199, G>T. VCF-style: chr21-46357199-G-T. GRCh37 (hg19) VCF-style: chr21-47777114-G-T.
Other names: c.1800+8G>T (NM_001315529.2).
Identifiers: ClinVar variation 3348919 (VCV003348919.1).

ClinVar aggregate classification (germline): Likely benign (0 of 4 stars; one submission).

Conditions:
PCNT-related disorder. Also called: PCNT-related condition.

gnomAD v4.1: 1 of 1,581,802 alleles (0.000063%); highest among the groups gnomAD compares: South Asian, 0.0011%; no homozygotes.

Submission:

PreventionGenetics, part of Exact Sciences
Classification: Likely benign for PCNT-related condition. Last evaluated: 2024-03-15. Review status: no assertion criteria provided. Collection method: clinical testing. Allele origin: germline.
Comment: This variant is classified as likely benign based on ACMG/AMP sequence variant interpretation guidelines (Richards et al. 2015 PMID: 25741868, with internal and published modifications).